The following is an entry in ClinVar:

ClinVar aggregate classification (germline): Uncertain significance. Review status: criteria provided, multiple submitters, no conflicts (2 of 4 stars). 2 submissions from 2 submitters: Uncertain significance (2). Last evaluated 2025-07-29.

Allele frequency attached by ClinVar (database versions not stated): gnomAD 0.00002 and 0.00001.
gnomAD v4.1: 6 of 1,613,158 alleles (0.00037%); highest among the groups gnomAD compares: Admixed American, 0.0017%; no homozygotes.

Submissions (2):

Dasa
Classification: Uncertain significance. Last evaluated: 2025-07-29. Review status: criteria provided, single submitter. Criteria: DASA Assertion Criteria. Collection method: clinical testing. Allele origin: germline.
Comment: NM_000350.3(ABCA4):c.4808C>G (p.Pro1603Arg) is a missense variant that results in the substitution of proline with arginine. The affected residue or protein region has prior evidence supporting clinical relevance. This variant is rare in population databases. Computational prediction algorithms are consistent with a benign effect. The currently available literature and clinical evidence are not sufficient to establish a definitive association between this variant and the reported condition. Therefore, this variant is classified as a variant of uncertain significance.

Labcorp Genetics (formerly Invitae), Labcorp
Classification: Uncertain significance. Last evaluated: 2022-08-23. Review status: criteria provided, single submitter. Criteria: Invitae Variant Classification Sherloc (09022015). Collection method: clinical testing. Allele origin: germline.
Comment: This sequence change replaces proline, which is neutral and non-polar, with arginine, which is basic and polar, at codon 1603 of the ABCA4 protein (p.Pro1603Arg). This variant is present in population databases (rs773251303, gnomAD 0.002%). This variant has not been reported in the literature in individuals affected with ABCA4-related conditions. ClinVar contains an entry for this variant (Variation ID: 1423732). Advanced modeling of protein sequence and biophysical properties (such as structural, functional, and spatial information, amino acid conservation, physicochemical variation, residue mobility, and thermodynamic stability) performed at Invitae indicates that this missense variant is not expected to disrupt ABCA4 protein function. In summary, the available evidence is currently insufficient to determine the role of this variant in disease. Therefore, it has been classified as a Variant of Uncertain Significance.

NM_000350.3(ABCA4):c.4808C>G (p.Pro1603Arg)

Genes: ABCA4 (ATP binding cassette subfamily A member 4; minus strand), LOC126805793 (CDK7 strongly-dependent group 2 enhancer GRCh37_chr1:94486302-94487501; plus strand). Cytogenetic location: 1p22.1.
Variant type: single nucleotide variant.
Coding change: c.4808C>G on transcript NM_000350.3 (MANE Select); coding-DNA position 4808, C replaced by G.
Protein change: p.Pro1603Arg; replaces proline 1603 with arginine.
Molecular consequence: missense variant.
Genome position (GRCh38, 1-based): chr1:94,021,680, G>C on the plus strand (C>G on the coding strand, the complement: ABCA4 is on the minus strand). VCF-style: chr1-94021680-G-C. GRCh37 (hg19) VCF-style: chr1-94487236-G-C.
Other names: c.4586C>G, p.Pro1529Arg (NM_001425324.1); short protein forms P1603R, P1529R.
Identifiers: ClinVar variation 1423732 (VCV001423732.5), dbSNP rs773251303, ClinGen allele CA957458.
Genomic context (GRCh38, chr1:94,021,680, plus strand): 5'-ATTATACATAGGTCAAGTACCTTAATGTTGTCTTCAGTTTCTAGATGTTTAAGGAAATCA[G>C]GTATTTCTTTAGAGGCCTCTCTAGTGATAGGGCCCTAAAAACCATGTAAACAAACAAACA-3'
Protein context (NP_000341.2, residues 1593-1613): PITREASKEI[Pro1603Arg]DFLKHLETED